The following is an entry in ClinVar:

NM_017841.4(SDHAF2):c.34C>G (p.Leu12Val)

Gene: SDHAF2 (succinate dehydrogenase complex assembly factor 2; plus strand). Cytogenetic location: 11q12.2.
Variant type: single nucleotide variant.
Coding change: c.34C>G on transcript NM_017841.4 (MANE Select); coding-DNA position 34, C replaced by G.
Protein change: p.Leu12Val; replaces leucine 12 with valine.
Molecular consequence: missense variant.
Genome position (GRCh38, 1-based): chr11:61,430,180, C>G. VCF-style: chr11-61430180-C-G. GRCh37 (hg19) VCF-style: chr11-61197652-C-G.
Other names: short protein forms L12V.
Identifiers: ClinVar variation 2755713 (VCV002755713.3), dbSNP rs2135436365, ClinGen allele CA380680217.

ClinVar aggregate classification (germline): Uncertain significance (1 of 4 stars; one submission).

Conditions:
Hereditary pheochromocytoma and paraganglioma. Also called: Hereditary Paraganglioma-Pheochromocytoma Syndromes; Hereditary pheochromocytoma-paraganglioma; Hereditary paragangliomas and pheochromocytomas. Identifiers: Orphanet 29072, MedGen C4274332, MONDO:0017366.

Submission:

Labcorp Genetics (formerly Invitae), Labcorp
Classification: Uncertain significance for Hereditary pheochromocytoma and paraganglioma. Last evaluated: 2023-08-27. Review status: criteria provided, single submitter. Criteria: Invitae Variant Classification Sherloc (09022015). Collection method: clinical testing. Allele origin: germline.
Comment: This variant is not present in population databases (gnomAD no frequency). This sequence change replaces leucine, which is neutral and non-polar, with valine, which is neutral and non-polar, at codon 12 of the SDHAF2 protein (p.Leu12Val). This variant has not been reported in the literature in individuals affected with SDHAF2-related conditions. An algorithm developed to predict the effect of missense changes on protein structure and function (PolyPhen-2) suggests that this variant is likely to be tolerated. In summary, the available evidence is currently insufficient to determine the role of this variant in disease. Therefore, it has been classified as a Variant of Uncertain Significance.